The following is an entry in ClinVar:

ClinVar aggregate classification (germline): Conflicting classifications of pathogenicity. Review status: criteria provided, conflicting classifications (1 of 4 stars). 2 submissions from 2 submitters: Uncertain significance (1); Likely benign (1). Last evaluated 2025-04-09.

Conditions:
Congenital myasthenic syndrome 8. Also called: Myasthenic syndrome, congenital, 8, with pre- and postsynaptic defects; MYASTHENIC SYNDROME, CONGENITAL, DUE TO AGRIN DEFICIENCY. Identifiers: Orphanet 590, MedGen C3808739, MONDO:0014052, OMIM 615120.

Allele frequency attached by ClinVar (database versions not stated): gnomAD 0.00003 and 0.00007; gnomAD exomes 0.00006 and 0.00024; 1000 Genomes Project 30x 0.00016; TOPMed 0.00018.
gnomAD v4.1: 89 of 1,460,198 alleles (0.0061%); highest among the groups gnomAD compares: East Asian, 0.26%; 1 homozygote.

Submissions (2):

Labcorp Genetics (formerly Invitae), Labcorp
Classification: Likely benign for Congenital myasthenic syndrome 8. Last evaluated: 2025-04-09. Review status: criteria provided, single submitter. Criteria: Invitae Variant Classification Sherloc (09022015). Collection method: clinical testing. Allele origin: germline.

Baylor Genetics
Classification: Uncertain significance for Congenital myasthenic syndrome 8. Last evaluated: 2019-01-23. Review status: criteria provided, single submitter. Criteria: ACMG Guidelines, 2015. Collection method: clinical testing. Allele origin: de novo. Affected: yes.
Comment: This variant was determined to be of uncertain significance according to ACMG Guidelines, 2015 [PMID:25741868].

NM_198576.4(AGRN):c.749A>C (p.Asn250Thr)

Gene: AGRN (agrin; plus strand). Cytogenetic location: 1p36.33.
Variant type: single nucleotide variant.
Coding change: c.749A>C on transcript NM_198576.4 (MANE Select); coding-DNA position 749, A replaced by C.
Protein change: p.Asn250Thr; replaces asparagine 250 with threonine.
Molecular consequence: missense variant.
Genome position (GRCh38, 1-based): chr1:1,041,194, A>C. VCF-style: chr1-1041194-A-C. GRCh37 (hg19) VCF-style: chr1-976574-A-C.
Other names: c.749A>C, p.Asn250Thr (NM_001305275.2); c.434A>C, p.Asn145Thr (NM_001364727.2); short protein forms N145T, N250T.
Identifiers: ClinVar variation 861301 (VCV000861301.10), dbSNP rs753435616, ClinGen allele CA507915.